The following is an entry in ClinVar:

ClinVar aggregate classification (germline): Uncertain significance (1 of 4 stars; one submission).

gnomAD v4.1: 16 of 1,613,764 alleles (0.00099%); highest among the groups gnomAD compares: Non-Finnish European, 0.0013%; no homozygotes.

Submission:

Dasa
Classification: Uncertain significance. Last evaluated: 2025-10-04. Review status: criteria provided, single submitter. Criteria: DASA Assertion Criteria. Collection method: clinical testing. Allele origin: germline.
Comment: NM_001388303.1(HECTD4):c.7037G>A (p.Arg2346Gln) is a missense variant that results in the substitution of arginine with glutamine. This variant is rare in population databases. The currently available literature and clinical evidence are not sufficient to establish a definitive association between this variant and the reported condition. Therefore, this variant is classified as a variant of uncertain significance.

NM_001388303.1(HECTD4):c.7037G>A (p.Arg2346Gln)

Gene: HECTD4 (HECT domain E3 ubiquitin protein ligase 4; minus strand). Cytogenetic location: 12q24.13.
Variant type: single nucleotide variant.
Coding change: c.7037G>A on transcript NM_001388303.1 (MANE Select); coding-DNA position 7037, G replaced by A.
Protein change: p.Arg2346Gln; replaces arginine 2346 with glutamine.
Molecular consequence: missense variant.
Genome position (GRCh38, 1-based): chr12:112,219,423, C>T on the plus strand (G>A on the coding strand, the complement: HECTD4 is on the minus strand). VCF-style: chr12-112219423-C-T. GRCh37 (hg19) VCF-style: chr12-112657227-C-T.
Other names: c.7067G>A, p.Arg2356Gln (NM_001109662.4); short protein forms R2346Q, R2356Q.
Identifiers: ClinVar variation 4885716 (VCV004885716.2).
Genomic context (GRCh38, chr12:112,219,423, plus strand): 5'-GCGAAGCACCGCAGAGGGCTCACCTGTCTTCGGTCAGCCTGCAAAGGAGGTGGTGGGGGC[C>T]GAGCACAGTCCCGGTAGAGCATCCTCAGCCGTTCACACTGTACCTCCACAACTGCAAGTC-3'
Protein context (NP_001375232.1, residues 2336-2356): RLRMLYRDCA[Arg2346Gln]PPPPPLQADR